The following is an entry in ClinVar:

NM_021813.4(BACH2):c.634G>A (p.Val212Met)

Gene: BACH2 (BACH transcriptional regulator 2; minus strand). Cytogenetic location: 6q15.
Variant type: single nucleotide variant.
Coding change: c.634G>A on transcript NM_021813.4 (MANE Select); coding-DNA position 634, G replaced by A.
Protein change: p.Val212Met; replaces valine 212 with methionine.
Molecular consequence: missense variant.
Genome position (GRCh38, 1-based): chr6:89,951,472, C>T on the plus strand (G>A on the coding strand, the complement: BACH2 is on the minus strand). VCF-style: chr6-89951472-C-T. GRCh37 (hg19) VCF-style: chr6-90661191-C-T.
Other names: c.634G>A (NM_021813.2); c.634G>A, p.Val212Met (NM_001170794.2); short protein forms V212M.
Identifiers: ClinVar variation 1373715 (VCV001373715.9), dbSNP rs761408916, ClinGen allele CA3928133.

ClinVar aggregate classification (germline): Uncertain significance. Review status: criteria provided, multiple submitters, no conflicts (2 of 4 stars). 2 submissions from 2 submitters: Uncertain significance (2). Last evaluated 2024-01-12.

Allele frequency attached by ClinVar (database versions not stated): TOPMed below 0.00001; gnomAD 0.00001; gnomAD exomes 0.00001 and 0.00002; ExAC 0.00003.
gnomAD v4.1: 9 of 1,614,100 alleles (0.00056%); highest among the groups gnomAD compares: East Asian, 0.0045%; no homozygotes.

Submissions (2):

Labcorp Genetics (formerly Invitae), Labcorp
Classification: Uncertain significance. Last evaluated: 2024-01-12. Review status: criteria provided, single submitter. Criteria: Invitae Variant Classification Sherloc (09022015). Collection method: clinical testing. Allele origin: germline.
Comment: This sequence change replaces valine, which is neutral and non-polar, with methionine, which is neutral and non-polar, at codon 212 of the BACH2 protein (p.Val212Met). This variant is present in population databases (rs761408916, gnomAD 0.01%). This variant has not been reported in the literature in individuals affected with BACH2-related conditions. ClinVar contains an entry for this variant (Variation ID: 1373715). Advanced modeling of protein sequence and biophysical properties (such as structural, functional, and spatial information, amino acid conservation, physicochemical variation, residue mobility, and thermodynamic stability) performed at Invitae indicates that this missense variant is not expected to disrupt BACH2 protein function with a negative predictive value of 80%. In summary, the available evidence is currently insufficient to determine the role of this variant in disease. Therefore, it has been classified as a Variant of Uncertain Significance.

Ambry Genetics
Classification: Uncertain significance. Last evaluated: 2021-09-16. Review status: criteria provided, single submitter. Criteria: Ambry Variant Classification Scheme 2023. Collection method: clinical testing. Allele origin: germline.